The following is an entry in ClinVar:

NM_020738.4(KIDINS220):c.175A>G (p.Lys59Glu)

Gene: KIDINS220 (kinase D interacting substrate 220; minus strand). Cytogenetic location: 2p25.1.
Variant type: single nucleotide variant.
Coding change: c.175A>G on transcript NM_020738.4 (MANE Select); coding-DNA position 175, A replaced by G.
Protein change: p.Lys59Glu; replaces lysine 59 with glutamic acid.
Molecular consequence: missense variant. On other transcripts: non-coding transcript variant (2).
Genome position (GRCh38, 1-based): chr2:8,818,727, T>C on the plus strand (A>G on the coding strand, the complement: KIDINS220 is on the minus strand). VCF-style: chr2-8818727-T-C. GRCh37 (hg19) VCF-style: chr2-8958857-T-C.
Other names: c.175A>G, p.Lys59Glu (NM_001348729.2, NM_001348731.2, NM_001348732.2 and 9 more transcripts); c.49A>G, p.Lys17Glu (NM_001348736.2); short protein forms K17E, K59E.
Identifiers: ClinVar variation 3671938 (VCV003671938.2).

ClinVar aggregate classification (germline): Uncertain significance (1 of 4 stars; one submission).

gnomAD v4.1: 1 of 1,606,174 alleles (0.000062%); highest among the groups gnomAD compares: Non-Finnish European, 0.000085%; no homozygotes.

Submission:

Labcorp Genetics (formerly Invitae), Labcorp
Classification: Uncertain significance. Last evaluated: 2024-04-17. Review status: criteria provided, single submitter. Criteria: Invitae Variant Classification Sherloc (09022015). Collection method: clinical testing. Allele origin: germline.
Comment: This sequence change replaces lysine, which is basic and polar, with glutamic acid, which is acidic and polar, at codon 59 of the KIDINS220 protein (p.Lys59Glu). This variant is not present in population databases (gnomAD no frequency). This variant has not been reported in the literature in individuals affected with KIDINS220-related conditions. An algorithm developed to predict the effect of missense changes on protein structure and function (PolyPhen-2) suggests that this variant is likely to be disruptive. In summary, the available evidence is currently insufficient to determine the role of this variant in disease. Therefore, it has been classified as a Variant of Uncertain Significance.